The following is an entry in ClinVar:

ClinVar aggregate classification (germline): Uncertain significance (1 of 4 stars; one submission).

Conditions:
Hereditary pheochromocytoma and paraganglioma. Also called: Hereditary paragangliomas and pheochromocytomas; Hereditary Paraganglioma-Pheochromocytoma Syndromes; Hereditary pheochromocytoma-paraganglioma. Identifiers: Orphanet 29072, MedGen C4274332, MONDO:0017366.

Submission:

Labcorp Genetics (formerly Invitae), Labcorp
Classification: Uncertain significance for Hereditary pheochromocytoma and paraganglioma. Last evaluated: 2022-11-28. Review status: criteria provided, single submitter. Criteria: Invitae Variant Classification Sherloc (09022015). Collection method: clinical testing. Allele origin: germline.
Comment: This sequence change replaces serine, which is neutral and polar, with asparagine, which is neutral and polar, at codon 39 of the SDHAF2 protein (p.Ser39Asn). This variant is not present in population databases (gnomAD no frequency). This variant has not been reported in the literature in individuals affected with SDHAF2-related conditions. ClinVar contains an entry for this variant (Variation ID: 1483066). Algorithms developed to predict the effect of missense changes on protein structure and function are either unavailable or do not agree on the potential impact of this missense change (SIFT: "Tolerated"; PolyPhen-2: "Possibly Damaging"; Align-GVGD: "Class C0"). In summary, the available evidence is currently insufficient to determine the role of this variant in disease. Therefore, it has been classified as a Variant of Uncertain Significance.

NM_017841.4(SDHAF2):c.116G>A (p.Ser39Asn)

Gene: SDHAF2 (succinate dehydrogenase complex assembly factor 2; plus strand). Cytogenetic location: 11q12.2.
Variant type: single nucleotide variant.
Coding change: c.116G>A on transcript NM_017841.4 (MANE Select); coding-DNA position 116, G replaced by A.
Protein change: p.Ser39Asn; replaces serine 39 with asparagine.
Molecular consequence: missense variant.
Genome position (GRCh38, 1-based): chr11:61,437,704, G>A. VCF-style: chr11-61437704-G-A. GRCh37 (hg19) VCF-style: chr11-61205176-G-A.
Other names: short protein forms S39N.
Identifiers: ClinVar variation 1483066 (VCV001483066.6), dbSNP rs2134892250, ClinGen allele CA380683142.